The following is an entry in ClinVar:

NM_005591.4(MRE11):c.1979C>A (p.Ser660Ter)

Gene: MRE11 (MRE11 double strand break repair nuclease; minus strand). Cytogenetic location: 11q21.
Variant type: single nucleotide variant.
Coding change: c.1979C>A on transcript NM_005591.4 (MANE Select); coding-DNA position 1979, C replaced by A.
Protein change: p.Ser660Ter; replaces serine 660 with a stop codon.
Molecular consequence: nonsense.
Genome position (GRCh38, 1-based): chr11:94,435,847, G>T on the plus strand (C>A on the coding strand, the complement: MRE11 is on the minus strand). VCF-style: chr11-94435847-G-T. GRCh37 (hg19) VCF-style: chr11-94169013-G-T.
Other names: c.1976C>A, p.Ser659Ter (NM_001330347.2); c.1895C>A, p.Ser632Ter (NM_005590.4); short protein forms S632*, S659*, S660*.
Identifiers: ClinVar variation 1681551 (VCV001681551.6), dbSNP rs2134831001, ClinGen allele CA382374047.
Genomic context (GRCh38, chr11:94,435,847, plus strand): 5'-TAATTTTTTTCAGATGTTTCTTTTGCAGAAAATCACTGCACCTACCTTTGATCTGTCTTT[G>T]AAGTGGTAGGAAAAATGTCTTCTTCCACATCTGATTCATCTACCTCAATCACCTGGCAAG-3'

ClinVar aggregate classification (germline): Pathogenic (1 of 4 stars; one submission).

Conditions:
Ataxia-telangiectasia-like disorder (ATLD). Identifiers: MedGen C1858391, MONDO:0011457.

Submission:

Labcorp Genetics (formerly Invitae), Labcorp
Classification: Pathogenic for Ataxia-telangiectasia-like disorder. Last evaluated: 2021-08-29. Review status: criteria provided, single submitter. Criteria: Invitae Variant Classification Sherloc (09022015). Collection method: clinical testing. Allele origin: germline.
Comment: For these reasons, this variant has been classified as Pathogenic. This variant has not been reported in the literature in individuals affected with MRE11-related conditions. This variant is not present in population databases (ExAC no frequency). This sequence change creates a premature translational stop signal (p.Ser660*) in the MRE11 gene. It is expected to result in an absent or disrupted protein product. Loss-of-function variants in MRE11 are known to be pathogenic (PMID: 23080121, 23912341).

Literature cited by the submitters: PubMed 23080121; PubMed 23912341.